The following is an entry in ClinVar:

NM_004544.4(NDUFA10):c.*438C>T

Gene: NDUFA10 (NADH:ubiquinone oxidoreductase subunit A10; minus strand). Cytogenetic location: 2q37.3.
Variant type: single nucleotide variant.
Coding change: c.*438C>T on transcript NM_004544.4 (MANE Select); 438 bases downstream of the stop codon, C replaced by T.
Molecular consequence: 3 prime UTR variant. On other transcripts: non-coding transcript variant (3).
Genome position (GRCh38, 1-based): chr2:239,960,680, G>A on the plus strand (C>T on the coding strand, the complement: NDUFA10 is on the minus strand). VCF-style: chr2-239960680-G-A. GRCh37 (hg19) VCF-style: chr2-240900097-G-A.
Other names: c.*443C>T (NM_001322020.2).
Identifiers: ClinVar variation 335192 (VCV000335192.8), dbSNP rs13396556, ClinGen allele CA10614954.

ClinVar aggregate classification (germline): Benign. Review status: criteria provided, multiple submitters, no conflicts (2 of 4 stars). 4 submissions from 3 submitters: Benign (4). Last evaluated 2021-05-14.

Conditions:
Leigh syndrome (NULS). Also called: Leigh's syndrome; Leigh Syndrome (mtDNA deletion); Leigh Disease; Leigh's necrotizing encephalopathy; Leigh's disease; Subacute necrotizing encephalopathy. Identifiers: Orphanet 506, MedGen C2931891, MONDO:0009723, OMIM 256000.
Mitochondrial complex I deficiency, nuclear type 1. Also called: NADH-COENZYME Q REDUCTASE DEFICIENCY; MITOCHONDRIAL NADH DEHYDROGENASE COMPONENT OF COMPLEX I, DEFICIENCY OF. Identifiers: MedGen C6022305, MONDO:0100224, OMIM 252010.

Allele frequency attached by ClinVar (database versions not stated): TOPMed 0.12851; 1000 Genomes Project 30x 0.13882; 1000 Genomes Project 0.14018.
gnomAD v4.1: 136,684 of 1,120,670 alleles (12%); highest among the groups gnomAD compares: East Asian, 19%; 8,584 homozygotes.

Submissions (4):

GeneDx
Classification: Benign. Last evaluated: 2021-05-14. Review status: criteria provided, single submitter. Criteria: GeneDx Variant Classification Process June 2021. Collection method: clinical testing. Allele origin: germline. Affected: yes.

Illumina Laboratory Services, Illumina
Classification: Benign for Mitochondrial complex I deficiency, nuclear type 1. Last evaluated: 2018-01-13. Review status: criteria provided, single submitter. Criteria: ICSL Variant Classification Criteria 13 December 2019. Collection method: clinical testing. Allele origin: germline.
Comment: This variant was observed in the ICSL laboratory as part of a predisposition screen in an ostensibly healthy population. It had not been previously curated by ICSL or reported in the Human Gene Mutation Database (HGMD: prior to June 1st, 2018), and was therefore a candidate for classification through an automated scoring system. Utilizing variant allele frequency, disease prevalence and penetrance estimates, and inheritance mode, an automated score was calculated to assess if this variant is too frequent to cause the disease. Based on the score and internal cut-off values, a variant classified as benign is not then subjected to further curation. The score for this variant resulted in a classification of benign for this disease.

Illumina Laboratory Services, Illumina
Classification: Benign for Leigh syndrome. Last evaluated: 2018-01-13. Review status: criteria provided, single submitter. Criteria: ICSL Variant Classification Criteria 13 December 2019. Collection method: clinical testing. Allele origin: germline.
Comment: the same text as in the submission from Illumina Laboratory Services, Illumina above.

Breakthrough Genomics
Classification: Benign. Review status: criteria provided, single submitter. Criteria: ACMG Guidelines, 2015. Collection method: not provided. Allele origin: germline. Inheritance: Autosomal recessive inheritance. Affected: yes.